The following is an entry in ClinVar:

NM_001004334.4(GPR179):c.5273G>A (p.Trp1758Ter)

Gene: GPR179 (G protein-coupled receptor 179; minus strand). Cytogenetic location: 17q12.
Variant type: single nucleotide variant.
Coding change: c.5273G>A on transcript NM_001004334.4 (MANE Select); coding-DNA position 5273, G replaced by A.
Protein change: p.Trp1758Ter; replaces tryptophan 1758 with a stop codon.
Molecular consequence: nonsense.
Genome position (GRCh38, 1-based): chr17:38,328,296, C>T on the plus strand (G>A on the coding strand, the complement: GPR179 is on the minus strand). VCF-style: chr17-38328296-C-T. GRCh37 (hg19) VCF-style: chr17-36484179-C-T.
Other names: short protein forms W1758*.
Identifiers: ClinVar variation 1017408 (VCV001017408.6), dbSNP rs2037310889, ClinGen allele CA398872664.

ClinVar aggregate classification (germline): Uncertain significance (1 of 4 stars; one submission).

Submission:

Labcorp Genetics (formerly Invitae), Labcorp
Classification: Uncertain significance. Last evaluated: 2022-02-04. Review status: criteria provided, single submitter. Criteria: Invitae Variant Classification Sherloc (09022015). Collection method: clinical testing. Allele origin: germline.
Comment: In summary, the available evidence is currently insufficient to determine the role of this variant in disease. Therefore, it has been classified as a Variant of Uncertain Significance. This variant has not been reported in the literature in individuals affected with GPR179-related conditions. This sequence change creates a premature translational stop signal (p.Trp1758*) in the GPR179 gene. While this is not anticipated to result in nonsense mediated decay, it is expected to disrupt the last 610 amino acid(s) of the GPR179 protein. This variant is not present in population databases (gnomAD no frequency). Experimental studies and prediction algorithms are not available or were not evaluated, and the functional significance of this variant is currently unknown. ClinVar contains an entry for this variant (Variation ID: 1017408).